The following is an entry in ClinVar:

NM_178857.6(RP1L1):c.609+5G>A

Gene: RP1L1 (RP1 like 1). Cytogenetic location: 8p23.1.
Variant type: single nucleotide variant.
Coding change: c.609+5G>A on transcript NM_178857.6 (MANE Select); 5 bases into the intron after coding-DNA position 609, G replaced by A.
Molecular consequence: intron variant.
Genome position (GRCh38, 1-based): chr8:10,622,588, C>T on the plus strand (G>A on the coding strand, the complement: RP1L1 is on the minus strand). VCF-style: chr8-10622588-C-T. GRCh37 (hg19) VCF-style: chr8-10480098-C-T.
Identifiers: ClinVar variation 1479013 (VCV001479013.7), dbSNP rs774344793, ClinGen allele CA580030537.

ClinVar aggregate classification (germline): Uncertain significance. Review status: criteria provided, multiple submitters, no conflicts (2 of 4 stars). 2 submissions from 2 submitters: Uncertain significance (2). Last evaluated 2025-09-02.

Allele frequency attached by ClinVar (database versions not stated): TOPMed below 0.00001.
gnomAD v4.1: 1 of 1,614,186 alleles (0.000062%); highest among the groups gnomAD compares: Non-Finnish European, 0.000085%; no homozygotes.

Submissions (2):

Labcorp Genetics (formerly Invitae), Labcorp
Classification: Uncertain significance. Last evaluated: 2025-09-02. Review status: criteria provided, single submitter. Criteria: Invitae Variant Classification Sherloc (09022015). Collection method: clinical testing. Allele origin: germline.
Comment: This sequence change falls in intron 2 of the RP1L1 gene. It does not directly change the encoded amino acid sequence of the RP1L1 protein. It affects a nucleotide within the consensus splice site. This variant is present in population databases (no rsID available, gnomAD 0.003%). This variant has not been reported in the literature in individuals affected with RP1L1-related conditions. ClinVar contains an entry for this variant (Variation ID: 1479013). Variants that disrupt the consensus splice site are a relatively common cause of aberrant splicing (PMID: 17576681, 9536098). Algorithms developed to predict the effect of sequence changes on RNA splicing suggest that this variant is not likely to affect RNA splicing. In summary, the available evidence is currently insufficient to determine the role of this variant in disease. Therefore, it has been classified as a Variant of Uncertain Significance.

Blueprint Genetics
Classification: Uncertain significance. Last evaluated: 2024-10-28. Review status: criteria provided, single submitter. Criteria: ACMG Guidelines, 2015. Collection method: clinical testing. Allele origin: germline.

Literature cited by the submitters: PubMed 17576681 (cited by Labcorp Genetics (formerly Invitae), Labcorp); PubMed 9536098 (cited by Labcorp Genetics (formerly Invitae), Labcorp).